The following is an entry in ClinVar:

ClinVar aggregate classification (germline): Conflicting classifications of pathogenicity. Review status: criteria provided, conflicting classifications (1 of 4 stars). 2 submissions from 2 submitters: Uncertain significance (1); Likely benign (1). Last evaluated 2026-04-16.

Conditions:
Cardiovascular phenotype. Identifiers: MedGen CN230736.
Hereditary cancer-predisposing syndrome. Also called: Tumor predisposition; Hereditary Cancer Syndrome; Neoplastic Syndromes, Hereditary; Hereditary neoplastic syndrome. Identifiers: Orphanet 140162, MedGen C0027672, MeSH D009386, MONDO:0015356.
Neurofibromatosis, type 1 (NF1). Also called: VON RECKLINGHAUSEN DISEASE; Neurofibromatosis, type I; NEUROFIBROMATOSIS, TYPE I, SOMATIC; Peripheral type neurofibromatosis. Identifiers: Orphanet 636, MedGen C0027831, MONDO:0018975, OMIM 162200. Disease mechanism: loss of function.

Submissions (2):

Ambry Genetics
Classification: Likely benign for Cardiovascular phenotype; Hereditary cancer-predisposing syndrome. Last evaluated: 2026-04-16. Review status: criteria provided, single submitter. Criteria: Ambry Variant Classification Scheme 2023. Collection method: clinical testing. Allele origin: germline.

Labcorp Genetics (formerly Invitae), Labcorp
Classification: Uncertain significance for Neurofibromatosis, type 1. Last evaluated: 2025-11-25. Review status: criteria provided, single submitter. Criteria: Invitae Variant Classification Sherloc (09022015). Collection method: clinical testing. Allele origin: germline.
Comment: This sequence change replaces threonine, which is neutral and polar, with isoleucine, which is neutral and non-polar, at codon 2554 of the NF1 protein (p.Thr2554Ile). This variant is not present in population databases (gnomAD no frequency). This variant has not been reported in the literature in individuals affected with NF1-related conditions. ClinVar contains an entry for this variant (Variation ID: 655149). Invitae Evidence Modeling of protein sequence and biophysical properties (such as structural, functional, and spatial information, amino acid conservation, physicochemical variation, residue mobility, and thermodynamic stability) indicates that this missense variant is not expected to disrupt NF1 protein function with a negative predictive value of 95%. In summary, the available evidence is currently insufficient to determine the role of this variant in disease. Therefore, it has been classified as a Variant of Uncertain Significance.

NM_001042492.3(NF1):c.7724C>T (p.Thr2575Ile)

Gene: NF1 (neurofibromin 1; plus strand). Cytogenetic location: 17q11.2.
Variant type: single nucleotide variant.
Coding change: c.7724C>T on transcript NM_001042492.3 (MANE Select); coding-DNA position 7724, C replaced by T.
Protein change: p.Thr2575Ile; replaces threonine 2575 with isoleucine.
Molecular consequence: missense variant.
Genome position (GRCh38, 1-based): chr17:31,356,568, C>T. VCF-style: chr17-31356568-C-T. GRCh37 (hg19) VCF-style: chr17-29683586-C-T.
Other names: c.7661C>T, p.Thr2554Ile (NM_000267.4); short protein forms T2575I, T2554I.
Identifiers: ClinVar variation 655149 (VCV000655149.11), dbSNP rs1597865850, ClinGen allele CA399018211.